The following is an entry in ClinVar:

ClinVar aggregate classification (germline): Uncertain significance (1 of 4 stars; one submission).

Conditions:
Hypercoagulability syndrome due to glycosylphosphatidylinositol deficiency (GPIBD1). Also called: GLYCOSYLPHOSPHATIDYLINOSITOL BIOSYNTHESIS DEFECT 1. Identifiers: Orphanet 83639, MedGen C5201145, MONDO:0012465, OMIM 610293.

Submission:

Labcorp Genetics (formerly Invitae), Labcorp
Classification: Uncertain significance for Hypercoagulability syndrome due to glycosylphosphatidylinositol deficiency. Last evaluated: 2025-06-17. Review status: criteria provided, single submitter. Criteria: Invitae Variant Classification Sherloc (09022015). Collection method: clinical testing. Allele origin: germline.
Comment: This sequence change replaces tyrosine, which is neutral and polar, with cysteine, which is neutral and slightly polar, at codon 159 of the PIGM protein (p.Tyr159Cys). This variant is present in population databases (rs765157961, gnomAD 0.03%). This variant has not been reported in the literature in individuals affected with PIGM-related conditions. Invitae Evidence Modeling of protein sequence and biophysical properties (such as structural, functional, and spatial information, amino acid conservation, physicochemical variation, residue mobility, and thermodynamic stability) indicates that this missense variant is not expected to disrupt PIGM protein function with a negative predictive value of 80%. In summary, the available evidence is currently insufficient to determine the role of this variant in disease. Therefore, it has been classified as a Variant of Uncertain Significance.

NM_145167.3(PIGM):c.476A>G (p.Tyr159Cys)

Gene: PIGM (phosphatidylinositol glycan anchor biosynthesis class M; minus strand). Cytogenetic location: 1q23.2.
Variant type: single nucleotide variant.
Coding change: c.476A>G on transcript NM_145167.3 (MANE Select); coding-DNA position 476, A replaced by G.
Protein change: p.Tyr159Cys; replaces tyrosine 159 with cysteine.
Molecular consequence: missense variant.
Genome position (GRCh38, 1-based): chr1:160,031,264, T>C on the plus strand (A>G on the coding strand, the complement: PIGM is on the minus strand). VCF-style: chr1-160031264-T-C. GRCh37 (hg19) VCF-style: chr1-160001054-T-C.
Other names: short protein forms Y159C.
Identifiers: ClinVar variation 4805780 (VCV004805780.1).